The following is an entry in ClinVar:

NM_004656.4(BAP1):c.2086A>G (p.Ile696Val)

Gene: BAP1 (BRCA1 associated deubiquitinase 1; minus strand). Cytogenetic location: 3p21.1.
Variant type: single nucleotide variant.
Coding change: c.2086A>G on transcript NM_004656.4 (MANE Select); coding-DNA position 2086, A replaced by G.
Protein change: p.Ile696Val; replaces isoleucine 696 with valine.
Molecular consequence: missense variant.
Genome position (GRCh38, 1-based): chr3:52,402,392, T>C on the plus strand (A>G on the coding strand, the complement: BAP1 is on the minus strand). VCF-style: chr3-52402392-T-C. GRCh37 (hg19) VCF-style: chr3-52436408-T-C.
Other names: short protein forms I696V.
Identifiers: ClinVar variation 921609 (VCV000921609.4), dbSNP rs1704986494, ClinGen allele CA353094430.

ClinVar aggregate classification (germline): Uncertain significance (1 of 4 stars; one submission).

Conditions:
Hereditary cancer-predisposing syndrome. Also called: Neoplastic Syndromes, Hereditary; Tumor predisposition; Hereditary Cancer Syndrome; Hereditary neoplastic syndrome. Identifiers: Orphanet 140162, MedGen C0027672, MeSH D009386, MONDO:0015356.

gnomAD v4.1: 1 of 1,569,728 alleles (0.000064%); no homozygotes.

Submission:

Color Diagnostics, LLC DBA Color Health
Classification: Uncertain significance for Hereditary cancer-predisposing syndrome. Last evaluated: 2023-12-04. Review status: criteria provided, single submitter. Criteria: ACMG Guidelines, 2015. Collection method: clinical testing. Allele origin: germline.
Comment: This missense variant replaces isoleucine with valine at codon 696 of the BAP1 protein. Computational prediction suggests that this variant may not impact protein structure and function (internally defined REVEL score threshold <= 0.5, PMID: 27666373). To our knowledge, functional studies have not been reported for this variant. This variant has not been reported in individuals affected with BAP1-related disorders in the literature. This variant has not been identified in the general population by the Genome Aggregation Database (gnomAD). The available evidence is insufficient to determine the role of this variant in disease conclusively. Therefore, this variant is classified as a Variant of Uncertain Significance.